The following is an entry in ClinVar:

NM_000218.3(KCNQ1):c.1495C>T (p.Pro499Ser)

Genes: KCNQ1 (potassium voltage-gated channel subfamily Q member 1; plus strand), KCNQ1OT1 (KCNQ1 opposite strand/antisense transcript 1; minus strand). Cytogenetic location: 11p15.5.
Variant type: single nucleotide variant.
Coding change: c.1495C>T on transcript NM_000218.3 (MANE Select); coding-DNA position 1495, C replaced by T.
Protein change: p.Pro499Ser; replaces proline 499 with serine.
Molecular consequence: missense variant. On other transcripts: non-coding transcript variant (1).
Genome position (GRCh38, 1-based): chr11:2,662,062, C>T. VCF-style: chr11-2662062-C-T. GRCh37 (hg19) VCF-style: chr11-2683292-C-T.
Other names: c.1399C>T, p.Pro467Ser (NM_001406836.1); c.1225C>T, p.Pro409Ser (NM_001406837.1); c.955C>T, p.Pro319Ser (NM_001406838.1); c.1114C>T, p.Pro372Ser (NM_181798.2); short protein forms P319S, P372S, P409S, P467S, P499S.
Identifiers: ClinVar variation 4975935 (VCV004975935.1).

ClinVar aggregate classification (germline): Uncertain significance (1 of 4 stars; one submission).

gnomAD v4.1: 6 of 1,614,224 alleles (0.00037%); highest among the groups gnomAD compares: South Asian, 0.0055%; no homozygotes.

Submission:

GeneDx
Classification: Uncertain significance. Last evaluated: 2026-01-30. Review status: criteria provided, single submitter. Criteria: GeneDx Variant Classification Process June 2021. Collection method: clinical testing. Allele origin: germline.
Comment: Not observed at significant frequency in large population cohorts (gnomAD); In silico analysis supports that this missense variant has a deleterious effect on protein structure/function; Has not been previously published as pathogenic or benign to our knowledge